The following is an entry in ClinVar:

ClinVar aggregate classification (germline): Benign (1 of 4 stars; one submission).

Conditions:
Congenital lipoid adrenal hyperplasia due to STAR deficency. Also called: ADRENAL HYPERPLASIA I; Cholesterol monooxygenase (side-chain cleaving) deficiency; Congenital Lipoid Adrenal Hyperplasia; Lipoid adrenal hyperplasia. Identifiers: Orphanet 418, Orphanet 90790, MedGen C0342474, MONDO:0008725, OMIM 201710.

Allele frequency attached by ClinVar (database versions not stated): gnomAD 0.01584 and 0.01708; 1000 Genomes Project 0.01837; TOPMed 0.01872; 1000 Genomes Project 30x 0.01889.
gnomAD v4.1: 2,377 of 151,078 alleles (1.6%); highest among the groups gnomAD compares: African/African-American, 5.5%; 72 homozygotes.

Submission:

Illumina Laboratory Services, Illumina
Classification: Benign for Congenital lipoid adrenal hyperplasia due to STAR deficency. Last evaluated: 2018-01-13. Review status: criteria provided, single submitter. Criteria: ICSL Variant Classification Criteria 13 December 2019. Collection method: clinical testing. Allele origin: germline.
Comment: This variant was observed in the ICSL laboratory as part of a predisposition screen in an ostensibly healthy population. It had not been previously curated by ICSL or reported in the Human Gene Mutation Database (HGMD: prior to June 1st, 2018), and was therefore a candidate for classification through an automated scoring system. Utilizing variant allele frequency, disease prevalence and penetrance estimates, and inheritance mode, an automated score was calculated to assess if this variant is too frequent to cause the disease. Based on the score and internal cut-off values, a variant classified as benign is not then subjected to further curation. The score for this variant resulted in a classification of benign for this disease.

NM_000349.3(STAR):c.*987A>G

Gene: STAR (steroidogenic acute regulatory protein; minus strand). Cytogenetic location: 8p11.23.
Variant type: single nucleotide variant.
Coding change: c.*987A>G on transcript NM_000349.3 (MANE Select); 987 bases downstream of the stop codon, A replaced by G.
Molecular consequence: 3 prime UTR variant.
Genome position (GRCh38, 1-based): chr8:38,143,286, T>C on the plus strand (A>G on the coding strand, the complement: STAR is on the minus strand). VCF-style: chr8-38143286-T-C. GRCh37 (hg19) VCF-style: chr8-38000804-T-C.
Identifiers: ClinVar variation 362829 (VCV000362829.5), dbSNP rs28361934, ClinGen allele CA10630933.